The following is an entry in ClinVar:

NM_000353.3(TAT):c.308C>A (p.Ser103Ter)

Gene: TAT (tyrosine aminotransferase; minus strand). Cytogenetic location: 16q22.2.
Variant type: single nucleotide variant.
Coding change: c.308C>A on transcript NM_000353.3 (MANE Select); coding-DNA position 308, C replaced by A.
Protein change: p.Ser103Ter; replaces serine 103 with a stop codon.
Molecular consequence: nonsense.
Genome position (GRCh38, 1-based): chr16:71,575,954, G>T on the plus strand (C>A on the coding strand, the complement: TAT is on the minus strand). VCF-style: chr16-71575954-G-T. GRCh37 (hg19) VCF-style: chr16-71609857-G-T.
Other names: short protein forms S103*.
Identifiers: ClinVar variation 5013548 (VCV005013548.1).

ClinVar aggregate classification (germline): Pathogenic (1 of 4 stars; one submission).

Conditions:
Tyrosinemia type II (TYRSN2). Also called: KERATOSIS PALMOPLANTARIS WITH CORNEAL DYSTROPHY; OREGON TYPE TYROSINEMIA; TAT DEFICIENCY; TYROSINE AMINOTRANSFERASE DEFICIENCY; TYROSINE TRANSAMINASE DEFICIENCY. Identifiers: Orphanet 28378, MedGen C0268487, MONDO:0010160, OMIM 276600.

Submission:

Myriad Genetics, Inc.
Classification: Pathogenic for Tyrosinemia type II. Last evaluated: 2024-09-12. Review status: criteria provided, single submitter. Criteria: Myriad Autosomal Dominant, Autosomal Recessive and X-Linked Classification Criteria (2023). Collection method: clinical testing. Allele origin: unknown.
Comment: NM_000353.2(TAT):c.308C>A(S103*) is expected to be pathogenic in the context of tyrosinemia type II. This variant is predicted to lead to an abnormal or absent protein product due to the creation of a premature termination codon in TAT, a gene where loss-of-function variants are known to be pathogenic. Please note: this variant was assessed in the context of healthy population screening.